The following is an entry in ClinVar:

ClinVar aggregate classification (germline): Benign (1 of 4 stars; one submission).

Conditions:
Kleefstra syndrome 1 (KLEFS1). Identifiers: Orphanet 261494, MedGen C0795833, MONDO:0027407, OMIM 610253.

Submission:

Laboratory of Genetics, Children's Clinical University Hospital Latvia
Classification: Benign for Kleefstra syndrome 1. Review status: criteria provided, single submitter. Criteria: ACMG Guidelines, 2015. Collection method: curation. Allele origin: de novo. Affected: yes.
Comment: de novo

Literature cited by the submitters: PubMed 39013458.

NM_024757.5(EHMT1):c.750A>C (p.Leu250Phe)

Gene: EHMT1 (euchromatic histone lysine methyltransferase 1; plus strand). Cytogenetic location: 9q34.3.
Variant type: single nucleotide variant.
Coding change: c.750A>C on transcript NM_024757.5 (MANE Select); coding-DNA position 750, A replaced by C.
Protein change: p.Leu250Phe; replaces leucine 250 with phenylalanine.
Molecular consequence: missense variant.
Genome position (GRCh38, 1-based): chr9:137,728,456, A>C. VCF-style: chr9-137728456-A-C. GRCh37 (hg19) VCF-style: chr9-140622908-A-C.
Other names: c.750A>C, p.Leu250Phe (NM_001145527.2, NM_001354263.2, NM_001354611.2); c.657A>C, p.Leu219Phe (NM_001354259.2, NM_001354612.2); short protein forms L219F, L250F.
Identifiers: ClinVar variation 3236910 (VCV003236910.1).